The following is an entry in ClinVar:

ClinVar aggregate classification (germline): Uncertain significance (1 of 4 stars; one submission).

Allele frequency attached by ClinVar (database versions not stated): gnomAD 0.00001.
gnomAD v4.1: 3 of 1,551,532 alleles (0.00019%); highest among the groups gnomAD compares: African/African-American, 0.0014%; no homozygotes.

Submission:

Labcorp Genetics (formerly Invitae), Labcorp
Classification: Uncertain significance. Last evaluated: 2024-01-12. Review status: criteria provided, single submitter. Criteria: Invitae Variant Classification Sherloc (09022015). Collection method: clinical testing. Allele origin: germline.
Comment: This sequence change replaces glycine, which is neutral and non-polar, with arginine, which is basic and polar, at codon 1861 of the TET2 protein (p.Gly1861Arg). This variant is not present in population databases (gnomAD no frequency). This variant has not been reported in the literature in individuals affected with TET2-related conditions. An algorithm developed to predict the effect of missense changes on protein structure and function (PolyPhen-2) suggests that this variant is likely to be disruptive. In summary, the available evidence is currently insufficient to determine the role of this variant in disease. Therefore, it has been classified as a Variant of Uncertain Significance.

NM_001127208.3(TET2):c.5581G>A (p.Gly1861Arg)

Genes: TET2 (tet methylcytosine dioxygenase 2; plus strand), TET2-AS1 (TET2 antisense RNA 1; minus strand). Cytogenetic location: 4q24.
Variant type: single nucleotide variant.
Coding change: c.5581G>A on transcript NM_001127208.3 (MANE Select); coding-DNA position 5581, G replaced by A.
Protein change: p.Gly1861Arg; replaces glycine 1861 with arginine.
Molecular consequence: missense variant.
Genome position (GRCh38, 1-based): chr4:105,276,091, G>A. VCF-style: chr4-105276091-G-A. GRCh37 (hg19) VCF-style: chr4-106197248-G-A.
Other names: short protein forms G1861R.
Identifiers: ClinVar variation 2709171 (VCV002709171.3), dbSNP rs867133200, ClinGen allele CA102739010.